The following is an entry in ClinVar:

ClinVar aggregate classification (germline): Uncertain significance (1 of 4 stars; one submission).

Conditions:
Cardiovascular phenotype. Identifiers: MedGen CN230736.

gnomAD v4.1: 9 of 1,612,398 alleles (0.00056%); highest among the groups gnomAD compares: Non-Finnish European, 0.00076%; no homozygotes.

Submission:

Ambry Genetics
Classification: Uncertain significance for Cardiovascular phenotype. Last evaluated: 2021-11-19. Review status: criteria provided, single submitter. Criteria: Ambry Variant Classification Scheme 2023. Collection method: clinical testing. Allele origin: germline.
Comment: The p.D709V variant (also known as c.2126A>T), located in coding exon 13 of the EPHB4 gene, results from an A to T substitution at nucleotide position 2126. The aspartic acid at codon 709 is replaced by valine, an amino acid with highly dissimilar properties. This amino acid position is conserved. In addition, this alteration is predicted to be deleterious by in silico analysis. Since supporting evidence is limited at this time, the clinical significance of this alteration remains unclear.

NM_004444.5(EPHB4):c.2126A>T (p.Asp709Val)

Gene: EPHB4 (EPH receptor B4; minus strand). Cytogenetic location: 7q22.1.
Variant type: single nucleotide variant.
Coding change: c.2126A>T on transcript NM_004444.5 (MANE Select); coding-DNA position 2126, A replaced by T.
Protein change: p.Asp709Val; replaces aspartic acid 709 with valine.
Molecular consequence: missense variant.
Genome position (GRCh38, 1-based): chr7:100,807,573, T>A on the plus strand (A>T on the coding strand, the complement: EPHB4 is on the minus strand). VCF-style: chr7-100807573-T-A. GRCh37 (hg19) VCF-style: chr7-100405195-T-A.
Other names: short protein forms D709V.
Identifiers: ClinVar variation 1786322 (VCV001786322.2), dbSNP rs1293578781, ClinGen allele CA368569306.